The following is an entry in ClinVar:

ClinVar aggregate classification (germline): Uncertain significance (1 of 4 stars; one submission).

gnomAD v4.1: 3 of 1,614,180 alleles (0.00019%); highest among the groups gnomAD compares: Admixed American, 0.005%; no homozygotes.

Submission:

Labcorp Genetics (formerly Invitae), Labcorp
Classification: Uncertain significance. Last evaluated: 2025-07-30. Review status: criteria provided, single submitter. Criteria: Invitae Variant Classification Sherloc (09022015). Collection method: clinical testing. Allele origin: germline.
Comment: This sequence change replaces aspartic acid, which is acidic and polar, with glycine, which is neutral and non-polar, at codon 1190 of the LRP6 protein (p.Asp1190Gly). This variant is present in population databases (rs773400071, gnomAD 0.009%). This variant has not been reported in the literature in individuals affected with LRP6-related conditions. An algorithm developed to predict the effect of missense changes on protein structure and function (PolyPhen-2) suggests that this variant is likely to be tolerated. In summary, the available evidence is currently insufficient to determine the role of this variant in disease. Therefore, it has been classified as a Variant of Uncertain Significance.

NM_002336.3(LRP6):c.3569A>G (p.Asp1190Gly)

Gene: LRP6 (LDL receptor related protein 6; minus strand). Cytogenetic location: 12p13.2.
Variant type: single nucleotide variant.
Coding change: c.3569A>G on transcript NM_002336.3 (MANE Select); coding-DNA position 3569, A replaced by G.
Protein change: p.Asp1190Gly; replaces aspartic acid 1190 with glycine.
Molecular consequence: missense variant. On other transcripts: non-coding transcript variant (1).
Genome position (GRCh38, 1-based): chr12:12,138,363, T>C on the plus strand (A>G on the coding strand, the complement: LRP6 is on the minus strand). VCF-style: chr12-12138363-T-C. GRCh37 (hg19) VCF-style: chr12-12291297-T-C.
Other names: c.3662A>G, p.Asp1221Gly (NM_001414244.1); c.3569A>G, p.Asp1190Gly (NM_001414245.1, NM_001414246.1, NM_001414248.1 and 3 more transcripts); c.3371A>G, p.Asp1124Gly (NM_001414247.1); c.3116A>G, p.Asp1039Gly (NM_001414252.1, NM_001414253.1, NM_001414254.1); c.3062A>G, p.Asp1021Gly (NM_001414255.1); short protein forms D1021G, D1124G, D1039G, D1190G, D1221G.
Identifiers: ClinVar variation 4753976 (VCV004753976.1).
Genomic context (GRCh38, chr12:12,138,363, plus strand): 5'-GCTTTATCCCATTAACACTTACTGTATTCTTGAAGGTTCAGCTCCTTTACTGCATGAATG[T>C]CACTAAGCTGGGCAATTCGAGCTTGGACTTTGGTTCTACCCTCTCGACCTGTCATGTCAA-3'
Protein context (NP_002327.2, residues 1180-1200): KVQARIAQLS[Asp1190Gly]IHAVKELNLQ